The following is an entry in ClinVar:

NM_015559.3(SETBP1):c.296C>G (p.Thr99Arg)

Gene: SETBP1 (SET binding protein 1; plus strand). Cytogenetic location: 18q12.3.
Variant type: single nucleotide variant.
Coding change: c.296C>G on transcript NM_015559.3 (MANE Select); coding-DNA position 296, C replaced by G.
Protein change: p.Thr99Arg; replaces threonine 99 with arginine.
Molecular consequence: missense variant.
Genome position (GRCh38, 1-based): chr18:44,701,642, C>G. VCF-style: chr18-44701642-C-G. GRCh37 (hg19) VCF-style: chr18-42281607-C-G.
Other names: c.296C>G, p.Thr99Arg (NM_001130110.2, NM_001379141.1, NM_001379142.1 and 1 more transcripts); short protein forms T99R.
Identifiers: ClinVar variation 3360218 (VCV003360218.1).

ClinVar aggregate classification (germline): Uncertain significance (1 of 4 stars; one submission).

Submission:

GeneDx
Classification: Uncertain significance. Last evaluated: 2023-06-21. Review status: criteria provided, single submitter. Criteria: GeneDx Variant Classification Process June 2021. Collection method: clinical testing. Allele origin: germline. Affected: yes.
Comment: Not observed at significant frequency in large population cohorts (gnomAD); In silico analysis supports that this missense variant has a deleterious effect on protein structure/function; Has not been previously published as pathogenic or benign to our knowledge